The following is an entry in ClinVar:

ClinVar aggregate classification (germline): Pathogenic/Likely pathogenic. Review status: criteria provided, multiple submitters, no conflicts (2 of 4 stars). 4 submissions from 4 submitters: Pathogenic (2); Likely pathogenic (2). Last evaluated 2025-09-03.

Conditions:
Multiple acyl-CoA dehydrogenase deficiency (MADD). Also called: ETHYLMALONIC-ADIPICACIDURIA; GA II; Glutaric aciduria, type 2; Glutaric acidemia type II; GA 2; Glutaric Acidemia type 2. Identifiers: Orphanet 26791, MedGen C0268596, MONDO:0009282, OMIM 231680.

Allele frequency attached by ClinVar (database versions not stated): TOPMed below 0.00001; gnomAD exomes 0.00001; ExAC 0.00002.
gnomAD v4.1: 9 of 1,614,150 alleles (0.00056%); highest among the groups gnomAD compares: South Asian, 0.0088%; no homozygotes.

Submissions (4):

First Genomix Gene Laboratory, Genetic Diagnostics Department
Classification: Likely pathogenic for Multiple acyl-CoA dehydrogenase deficiency. Last evaluated: 2025-09-03. Review status: criteria provided, single submitter. Criteria: ACMG Guidelines, 2015. Collection method: clinical testing. Allele origin: germline. Inheritance: Autosomal recessive inheritance. Affected: no. Observed: 1 variant allele.

Baylor Genetics
Classification: Pathogenic for Multiple acyl-CoA dehydrogenase deficiency. Last evaluated: 2024-03-07. Review status: criteria provided, single submitter. Criteria: ACMG Guidelines, 2015. Collection method: clinical testing. Allele origin: unknown.

Fulgent Genetics
Classification: Likely pathogenic for Multiple acyl-CoA dehydrogenase deficiency. Last evaluated: 2024-03-01. Review status: criteria provided, single submitter. Criteria: ACMG Guidelines, 2015. Collection method: clinical testing. Allele origin: germline.

Women's Health and Genetics/Laboratory Corporation of America, LabCorp
Classification: Pathogenic for Multiple acyl-CoA dehydrogenase deficiency. Last evaluated: 2023-11-28. Review status: criteria provided, single submitter. Criteria: LabCorp Variant Classification Summary - May 2015. Collection method: clinical testing. Allele origin: germline.
Comment: Variant summary: ETFB c.124T>C (p.Cys42Arg) results in a non-conservative amino acid change located in the electron transfer flavoprotein, alpha/beta-subunit, N-terminal domain (IPR014730) of the encoded protein sequence. Four of five in-silico tools predict a damaging effect of the variant on protein function. The variant allele was found at a frequency of 2e-05 in 251388 control chromosomes (gnomAD). c.124T>C has been reported in the literature as a biallelic genotype in individuals affected with Glutaric Aciduria, Type 2b (e.g. Curcoy_2003, Schiff_2006, Distelmaier_2007). These data indicate that the variant is likely to be associated with disease. At least one publication reports experimental evidence evaluating an impact on protein function (Henriques_2010). The variant resulted in impaired ETF folding and assembly and showed no detectable enzyme activity. The following publications have been ascertained in the context of this evaluation (PMID: 12706375, 17638024, 20674745, 16510302). No submitters have cited clinical-significance assessments for this variant to ClinVar after 2014. Based on the evidence outlined above, the variant was classified as pathogenic.

Literature cited by the submitters: PubMed 20674745 (cited by Women's Health and Genetics/Laboratory Corporation of America, LabCorp); PubMed 16510302 (cited by Women's Health and Genetics/Laboratory Corporation of America, LabCorp); PubMed 12706375 (cited by Women's Health and Genetics/Laboratory Corporation of America, LabCorp); PubMed 17638024 (cited by Women's Health and Genetics/Laboratory Corporation of America, LabCorp).

NM_001985.3(ETFB):c.124T>C (p.Cys42Arg)

Gene: ETFB (electron transfer flavoprotein subunit beta; minus strand). Cytogenetic location: 19q13.41.
Variant type: single nucleotide variant.
Coding change: c.124T>C on transcript NM_001985.3 (MANE Select); coding-DNA position 124, T replaced by C.
Protein change: p.Cys42Arg; replaces cysteine 42 with arginine.
Molecular consequence: missense variant.
Genome position (GRCh38, 1-based): chr19:51,354,242, A>G on the plus strand (T>C on the coding strand, the complement: ETFB is on the minus strand). VCF-style: chr19-51354242-A-G. GRCh37 (hg19) VCF-style: chr19-51857496-A-G.
Other names: c.397T>C, p.Cys133Arg (NM_001014763.1); short protein forms C133R, C42R.
Identifiers: ClinVar variation 2675097 (VCV002675097.4), dbSNP rs774387920, ClinGen allele CA9610859.